The following is an entry in ClinVar:

NM_015311.3(OBSL1):c.727C>G (p.Pro243Ala)

Gene: OBSL1 (obscurin like cytoskeletal adaptor 1; minus strand). Cytogenetic location: 2q35.
Variant type: single nucleotide variant.
Coding change: c.727C>G on transcript NM_015311.3 (MANE Select); coding-DNA position 727, C replaced by G.
Protein change: p.Pro243Ala; replaces proline 243 with alanine.
Molecular consequence: missense variant.
Genome position (GRCh38, 1-based): chr2:219,570,506, G>C on the plus strand (C>G on the coding strand, the complement: OBSL1 is on the minus strand). VCF-style: chr2-219570506-G-C. GRCh37 (hg19) VCF-style: chr2-220435228-G-C.
Other names: c.727C>G, p.Pro243Ala (NM_001173408.2, NM_001173431.2); short protein forms P243A.
Identifiers: ClinVar variation 4125082 (VCV004125082.2).

ClinVar aggregate classification (germline): Uncertain significance. Review status: criteria provided, multiple submitters, no conflicts (2 of 4 stars). 2 submissions from 2 submitters: Uncertain significance (2). Last evaluated 2025-10-23.

Conditions:
Inborn genetic diseases. Identifiers: MedGen C0950123, MeSH D030342.

gnomAD v4.1: 26 of 1,611,368 alleles (0.0016%); highest among the groups gnomAD compares: Admixed American, 0.01%; no homozygotes.

Submissions (2):

Labcorp Genetics (formerly Invitae), Labcorp
Classification: Uncertain significance. Last evaluated: 2025-10-23. Review status: criteria provided, single submitter. Criteria: Invitae Variant Classification Sherloc (09022015). Collection method: clinical testing. Allele origin: germline.
Comment: This sequence change replaces proline, which is neutral and non-polar, with alanine, which is neutral and non-polar, at codon 243 of the OBSL1 protein (p.Pro243Ala). This variant is present in population databases (rs202180262, gnomAD 0.009%). This variant has not been reported in the literature in individuals affected with OBSL1-related conditions. ClinVar contains an entry for this variant (Variation ID: 4125082). An algorithm developed to predict the effect of missense changes on protein structure and function (PolyPhen-2) suggests that this variant is likely to be tolerated. In summary, the available evidence is currently insufficient to determine the role of this variant in disease. Therefore, it has been classified as a Variant of Uncertain Significance.

Ambry Genetics
Classification: Uncertain significance for Inborn genetic diseases. Last evaluated: 2025-08-14. Review status: criteria provided, single submitter. Criteria: Ambry Variant Classification Scheme 2023. Collection method: clinical testing. Allele origin: germline.